The following is an entry in ClinVar:

ClinVar aggregate classification (germline): Conflicting classifications of pathogenicity. Review status: criteria provided, conflicting classifications (1 of 4 stars). 3 submissions from 3 submitters: Uncertain significance (2); Benign (1). Last evaluated 2026-01-12.

Conditions:
Familial thoracic aortic aneurysm and aortic dissection (TAAD). Also called: Thoracic aortic aneurysms and dissections. Identifiers: Orphanet 91387, MedGen C4707243, MONDO:0019625.
Congenital contractural arachnodactyly (CCA). Also called: Beals-Hecht syndrome; Arthrogryposis, distal, type 9; BEALS SYNDROME. Identifiers: Orphanet 115, MedGen C0220668, MONDO:0007363, OMIM 121050.

Allele frequency attached by ClinVar (database versions not stated): gnomAD exomes 0.00001 and 0.00002; gnomAD 0.00002; TOPMed 0.00002.
gnomAD v4.1: 32 of 1,613,980 alleles (0.002%); highest among the groups gnomAD compares: African/African-American, 0.0053%; no homozygotes.

Submissions (3):

Labcorp Genetics (formerly Invitae), Labcorp
Classification: Benign for Congenital contractural arachnodactyly. Last evaluated: 2026-01-12. Review status: criteria provided, single submitter. Criteria: Invitae Variant Classification Sherloc (09022015). Collection method: clinical testing. Allele origin: germline.

Ambry Genetics
Classification: Uncertain significance for Familial thoracic aortic aneurysm and aortic dissection. Last evaluated: 2024-09-06. Review status: criteria provided, single submitter. Criteria: Ambry Variant Classification Scheme 2023. Collection method: clinical testing. Allele origin: germline.
Comment: The p.N2110S variant (also known as c.6329A>G), located in coding exon 50 of the FBN2 gene, results from an A to G substitution at nucleotide position 6329. The asparagine at codon 2110 is replaced by serine, an amino acid with highly similar properties. This amino acid position is well conserved in available vertebrate species. In addition, the in silico prediction for this alteration is inconclusive. Based on the available evidence, the clinical significance of this variant remains unclear.

GeneDx
Classification: Uncertain significance. Last evaluated: 2024-07-08. Review status: criteria provided, single submitter. Criteria: GeneDx Variant Classification Process June 2021. Collection method: clinical testing. Allele origin: germline. Affected: yes.
Comment: Has not been previously published as pathogenic or benign to our knowledge; Not observed at significant frequency in large population cohorts (gnomAD); In silico analysis indicates that this missense variant does not alter protein structure/function

NM_001999.4(FBN2):c.6329A>G (p.Asn2110Ser)

Gene: FBN2 (fibrillin 2; minus strand). Cytogenetic location: 5q23.3.
Variant type: single nucleotide variant.
Coding change: c.6329A>G on transcript NM_001999.4 (MANE Select); coding-DNA position 6329, A replaced by G.
Protein change: p.Asn2110Ser; replaces asparagine 2110 with serine.
Molecular consequence: missense variant.
Genome position (GRCh38, 1-based): chr5:128,290,848, T>C on the plus strand (A>G on the coding strand, the complement: FBN2 is on the minus strand). VCF-style: chr5-128290848-T-C. GRCh37 (hg19) VCF-style: chr5-127626540-T-C.
Other names: short protein forms N2110S.
Identifiers: ClinVar variation 452397 (VCV000452397.12), dbSNP rs1016100479, ClinGen allele CA127034772.